The following is an entry in ClinVar:

ClinVar aggregate classification (germline): Uncertain significance. Review status: criteria provided, multiple submitters, no conflicts (2 of 4 stars). 2 submissions from 2 submitters: Uncertain significance (2). Last evaluated 2026-01-12.

Allele frequency attached by ClinVar (database versions not stated): TOPMed below 0.00001.
gnomAD v4.1: 9 of 1,614,172 alleles (0.00056%); highest among the groups gnomAD compares: South Asian, 0.0022%; no homozygotes.

Submissions (2):

Dasa
Classification: Uncertain significance. Last evaluated: 2026-01-12. Review status: criteria provided, single submitter. Criteria: DASA Assertion Criteria. Collection method: clinical testing. Allele origin: germline.
Comment: NM_014225.6(PPP2R1A):c.1595C>T (p.Pro532Leu) is a missense variant that results in the substitution of proline with leucine. This variant is rare in population databases. Computational prediction algorithms are consistent with a benign effect. The currently available literature and clinical evidence are not sufficient to establish a definitive association between this variant and the reported condition. Therefore, this variant is classified as a variant of uncertain significance.

Labcorp Genetics (formerly Invitae), Labcorp
Classification: Uncertain significance. Last evaluated: 2024-10-28. Review status: criteria provided, single submitter. Criteria: Invitae Variant Classification Sherloc (09022015). Collection method: clinical testing. Allele origin: germline.
Comment: This sequence change replaces proline, which is neutral and non-polar, with leucine, which is neutral and non-polar, at codon 532 of the PPP2R1A protein (p.Pro532Leu). This variant is present in population databases (no rsID available, gnomAD no frequency). This variant has not been reported in the literature in individuals affected with PPP2R1A-related conditions. Invitae Evidence Modeling of protein sequence and biophysical properties (such as structural, functional, and spatial information, amino acid conservation, physicochemical variation, residue mobility, and thermodynamic stability) indicates that this missense variant is expected to disrupt PPP2R1A protein function with a positive predictive value of 80%. In summary, the available evidence is currently insufficient to determine the role of this variant in disease. Therefore, it has been classified as a Variant of Uncertain Significance.

NM_014225.6(PPP2R1A):c.1595C>T (p.Pro532Leu)

Genes: PPP2R1A (protein phosphatase 2 scaffold subunit Aalpha; plus strand), LOC126862924 (BRD4-independent group 4 enhancer GRCh37_chr19:52724813-52726012; plus strand). Cytogenetic location: 19q13.41.
Variant type: single nucleotide variant.
Coding change: c.1595C>T on transcript NM_014225.6 (MANE Select); coding-DNA position 1595, C replaced by T.
Protein change: p.Pro532Leu; replaces proline 532 with leucine.
Molecular consequence: missense variant. On other transcripts: non-coding transcript variant (1).
Genome position (GRCh38, 1-based): chr19:52,222,175, C>T. VCF-style: chr19-52222175-C-T. GRCh37 (hg19) VCF-style: chr19-52725428-C-T.
Other names: c.1058C>T, p.Pro353Leu (NM_001363656.2); short protein forms P532L, P353L.
Identifiers: ClinVar variation 2804760 (VCV002804760.5), dbSNP rs1194775389, ClinGen allele CA407154581.